The following is an entry in ClinVar:

NM_000245.4(MET):c.4077A>G (p.Val1359=)

Gene: MET (MET proto-oncogene, receptor tyrosine kinase; plus strand). Cytogenetic location: 7q31.2.
Variant type: single nucleotide variant.
Coding change: c.4077A>G on transcript NM_000245.4 (MANE Select); coding-DNA position 4077, A replaced by G.
Protein change: p.Val1359=; no amino-acid change (valine 1359 retained).
Molecular consequence: synonymous variant.
Genome position (GRCh38, 1-based): chr7:116,796,028, A>G. VCF-style: chr7-116796028-A-G. GRCh37 (hg19) VCF-style: chr7-116436082-A-G.
Other names: c.4131A>G, p.Val1377= (NM_001127500.3); c.2787A>G, p.Val929= (NM_001324402.2).
Identifiers: ClinVar variation 2061973 (VCV002061973.5), dbSNP rs2117112578, ClinGen allele CA457462619.
Genomic context (GRCh38, chr7:116,796,028, plus strand): 5'-GATCTTCTCTACTTTCATTGGGGAGCACTATGTCCATGTGAACGCTACTTATGTGAACGT[A>G]AAATGTGTCGCTCCGTATCCTTCTCTGTTGTCATCAGAAGATAACGCTGATGATGAGGTG-3'
Protein context (NP_000236.2, residues 1349-1369): YVHVNATYVN[Val1359=]KCVAPYPSLL

ClinVar aggregate classification (germline): Benign/Likely benign. Review status: criteria provided, multiple submitters, no conflicts (2 of 4 stars). 2 submissions from 2 submitters: Benign (1); Likely benign (1). Last evaluated 2024-11-15.

Conditions:
Papillary renal cell carcinoma type 1 (RCCP1). Also called: Renal adenocarcinoma; Renal cell carcinoma 1; Renal cell carcinoma, somatic; RENAL CELL CARCINOMA, PAPILLARY, 1, SOMATIC. Identifiers: Orphanet 47044, MedGen C1336839, OMIM 605074, HP:0011797.
Renal cell carcinoma. Identifiers: Orphanet 217071, MedGen C0007134, MeSH D002292, MONDO:0005086, HP:0005584.

Submissions (2):

Myriad Genetics, Inc.
Classification: Benign for Papillary renal cell carcinoma type 1. Last evaluated: 2024-11-15. Review status: criteria provided, single submitter. Criteria: Myriad Autosomal Dominant, Autosomal Recessive and X-Linked Classification Criteria (2023). Collection method: clinical testing. Allele origin: unknown.
Comment: This variant is considered benign. This variant is a silent/synonymous amino acid change and it is not expected to impact splicing.

Labcorp Genetics (formerly Invitae), Labcorp
Classification: Likely benign for Renal cell carcinoma. Last evaluated: 2022-01-12. Review status: criteria provided, single submitter. Criteria: Invitae Variant Classification Sherloc (09022015). Collection method: clinical testing. Allele origin: germline.